The following is an entry in ClinVar:

NM_001252024.2(TRPM1):c.3958A>G (p.Arg1320Gly)

Gene: TRPM1 (transient receptor potential cation channel subfamily M member 1; minus strand). Cytogenetic location: 15q13.3.
Variant type: single nucleotide variant.
Coding change: c.3958A>G on transcript NM_001252024.2 (MANE Select); coding-DNA position 3958, A replaced by G.
Protein change: p.Arg1320Gly; replaces arginine 1320 with glycine.
Molecular consequence: missense variant.
Genome position (GRCh38, 1-based): chr15:31,002,742, T>C on the plus strand (A>G on the coding strand, the complement: TRPM1 is on the minus strand). VCF-style: chr15-31002742-T-C. GRCh37 (hg19) VCF-style: chr15-31294945-T-C.
Other names: c.4009A>G, p.Arg1337Gly (NM_001252020.2); c.3892A>G, p.Arg1298Gly (NM_002420.6); short protein forms R1320G, R1298G, R1337G.
Identifiers: ClinVar variation 2105796 (VCV002105796.4), dbSNP rs2543114604, ClinGen allele CA391530059.

ClinVar aggregate classification (germline): Uncertain significance (1 of 4 stars; one submission).

Allele frequency attached by ClinVar (database versions not stated): gnomAD exomes below 0.00001.
gnomAD v4.1: 1 of 1,614,226 alleles (0.000062%); highest among the groups gnomAD compares: Non-Finnish European, 0.000085%; no homozygotes.

Submission:

Labcorp Genetics (formerly Invitae), Labcorp
Classification: Uncertain significance. Last evaluated: 2022-03-04. Review status: criteria provided, single submitter. Criteria: Invitae Variant Classification Sherloc (09022015). Collection method: clinical testing. Allele origin: germline.
Comment: This sequence change replaces arginine, which is basic and polar, with glycine, which is neutral and non-polar, at codon 1298 of the TRPM1 protein (p.Arg1298Gly). In summary, the available evidence is currently insufficient to determine the role of this variant in disease. Therefore, it has been classified as a Variant of Uncertain Significance. Algorithms developed to predict the effect of missense changes on protein structure and function output the following: SIFT: "Deleterious"; PolyPhen-2: "Benign"; Align-GVGD: "Class C0". The glycine amino acid residue is found in multiple mammalian species, which suggests that this missense change does not adversely affect protein function. This variant has not been reported in the literature in individuals affected with TRPM1-related conditions. This variant is not present in population databases (gnomAD no frequency).